The following is an entry in ClinVar:

NM_001005361.3(DNM2):c.1681AAG[1] (p.Lys562del)

Gene: DNM2 (dynamin 2; plus strand). Cytogenetic location: 19p13.2.
Variant type: Microsatellite.
Coding change: c.1681AAG[1] on transcript NM_001005361.3 (MANE Select); one copy of the 3-base unit AAG starting at c.1681; the reference has two copies in a row; one copy, 3 bases deleted.
Protein change: p.Lys562del; deletes lysine 562.
Molecular consequence: inframe deletion.
Genome position (GRCh38, 1-based): chr19:10,819,992-10,819,994, AAG deleted; deleting any 3 consecutive bases within chr19:10,819,987-10,819,994 gives the same sequence; the position shown is the placement nearest the transcript's 3' end. VCF-style (leftmost placement, unchanged base first): chr19-10819986-GAGA-G. GRCh37 (hg19) VCF-style: chr19-10930662-GAGA-G.
Other names: DNM2, LYS558 DEL; c.1681AAG[1], p.Lys562del (NM_001005360.3, NM_001190716.2); c.1669AAG[1], p.Lys558del (NM_001005362.3, NM_004945.4); c.1684_1686delAAG (NM_001005360.2); c.1684_1686del (NM_001005360.2); short protein forms K558del, K562del.
Identifiers: ClinVar variation 637073 (VCV000637073.17), dbSNP rs1599620408, ClinGen allele CA645605378.

ClinVar aggregate classification (germline): Conflicting classifications of pathogenicity. Review status: criteria provided, conflicting classifications (1 of 4 stars). 8 submissions from 8 submitters: Pathogenic (2); Likely pathogenic (2); Uncertain significance (1). 3 of the submissions do not count toward it. Last evaluated 2025-07-23.

Conditions:
DNM2-related disorders.
Inborn genetic diseases. Identifiers: MedGen C0950123, MeSH D030342.
Charcot-Marie-Tooth disease dominant intermediate B (CMTDIB). Also called: Charcot-Marie-Tooth disease dominant intermediate 1; CMT DI1; Charcot-Marie-Tooth disease dominant intermediate I; CHARCOT-MARIE-TOOTH NEUROPATHY, DOMINANT INTERMEDIATE B. Identifiers: Orphanet 100044, Orphanet 228179, MedGen C1847902, MONDO:0011674, OMIM 606482.
Charcot-Marie-Tooth disease. Also called: Charcot-Marie-Tooth Hereditary Neuropathy; Charcot-Marie-Tooth Neuropathy. Identifiers: Orphanet 166, MedGen C0007959, MONDO:0015626.
Charcot-Marie-Tooth disease, dominant intermediate B, with neutropenia. Also called: Charcot-Marie-Tooth neuropathy, dominant intermediate b, with neutropenia. Identifiers: MedGen C1847903.

Submissions (8):

GeneDx
Classification: Pathogenic. Last evaluated: 2025-07-23. Review status: criteria provided, single submitter. Criteria: GeneDx Variant Classification Process June 2021. Collection method: clinical testing. Allele origin: germline. Affected: yes.
Comment: Previously reported, using alternative nomenclature of c.1672_1674delAAG; p.K558del, to segregate with Charcot-Marie-Tooth (CMT) disease and neutropenia in a large Belgian family (PMID: 15731758, 19502294); A different missense substitution at this same position, K562E, reported as K558E using alternative nomenclature, has also been reported to segregate with CMT and neutropenia in an Australian family, leading the authors to conclude that alterations at this position are associated with both CMT and neutropenia (PMID: 15731758); In-frame deletion of 1 amino acid(s) in a non-repeat region; In silico analysis supports a deleterious effect on protein structure/function; Not observed at significant frequency in large population cohorts (gnomAD); This variant is associated with the following publications: (PMID: 22091729, 22385972, 22451505, 22396310, 20227276, 25492887, 19502294, 33684277, 16227997, 28877744, 15731758)

Labcorp Genetics (formerly Invitae), Labcorp
Classification: Pathogenic for Charcot-Marie-Tooth disease dominant intermediate B. Last evaluated: 2023-07-22. Review status: criteria provided, single submitter. Criteria: Invitae Variant Classification Sherloc (09022015). Collection method: clinical testing. Allele origin: germline.
Comment: Experimental studies are conflicting or provide insufficient evidence to determine the effect of this variant on DNM2 function (PMID: 22451505). For these reasons, this variant has been classified as Pathogenic. Algorithms developed to predict the effect of variants on protein structure and function are not available or were not evaluated for this variant. ClinVar contains an entry for this variant (Variation ID: 637073). This variant is also known as p.Lys558del. This variant has been observed in individual(s) with clinical features of DNM2-related conditions (PMID: 15731758, 19502294, 28877744). It has also been observed to segregate with disease in related individuals. This variant is not present in population databases (gnomAD no frequency). This variant, c.1684_1686del, results in the deletion of 1 amino acid(s) of the DNM2 protein (p.Lys562del), but otherwise preserves the integrity of the reading frame.

Department of Human Genetics, Hannover Medical School
Classification: Likely pathogenic for Charcot-Marie-Tooth disease dominant intermediate B. Last evaluated: 2023-02-17. Review status: criteria provided, single submitter. Criteria: ACMG Guidelines, 2015. Collection method: clinical testing. Allele origin: germline. Inheritance: Autosomal dominant inheritance. Affected: yes.

Ambry Genetics
Classification: Uncertain significance for Inborn genetic diseases. Last evaluated: 2021-02-19. Review status: criteria provided, single submitter. Criteria: Ambry Variant Classification Scheme 2023. Collection method: clinical testing. Allele origin: germline.
Comment: The c.1684_1686delAAG variant (also known as p.K562del) is located in coding exon 16 of the DNM2 gene. This variant results from an in-frame AAG deletion at nucleotide positions 1684 to 1686. This results in the in-frame deletion of a lysine at codon 562. This variant was found to segregate among multiple family members with Charcot-Marie-Tooth disease in one family (Z&uuml;chner S et al. Nat Genet, 2005 Mar;37:289-94; Claeys KG et al. Brain, 2009 Jul;132:1741-52). Additionally, this variant was described as de novo in an individual with childhood-onset limb-girdle muscular dystrophy and elevated CK levels (Harris E et al. Orphanet J Rare Dis, 2017 09;12:151). This amino acid position is highly conserved in available vertebrate species. In addition, this alteration is predicted to be deleterious by in silico analysis (Choi Y et al. PLoS ONE. 2012; 7(10):e46688). Since supporting evidence is limited at this time, the clinical significance of this alteration remains unclear.

Blueprint Genetics
Classification: Likely pathogenic for DNM2-related disorders. Last evaluated: 2020-08-17. Review status: criteria provided, single submitter. Criteria: ACMG Guidelines, 2015. Collection method: clinical testing. Allele origin: germline. Affected: yes. Observed: 1 variant allele.

Inherited Neuropathy Consortium Ii, University Of Miami
Classification: Uncertain significance for Charcot-Marie-Tooth disease dominant intermediate B. Last evaluated: 2016-01-06. Review status: no assertion criteria provided. Collection method: literature only. Allele origin: germline. Affected: yes. Not counted in ClinVar's aggregate classification.

OMIM
Classification: Pathogenic for CHARCOT-MARIE-TOOTH DISEASE, DOMINANT INTERMEDIATE B, WITH NEUTROPENIA. Last evaluated: 2009-07-01. Review status: no assertion criteria provided. Collection method: literature only. Allele origin: germline. Not counted in ClinVar's aggregate classification.

Inherited Neuropathy Consortium
Classification: Uncertain significance for Charcot-Marie-Tooth disease. Review status: no assertion criteria provided. Collection method: literature only. Allele origin: germline. Affected: yes. Not counted in ClinVar's aggregate classification.

Literature cited by the submitters: PubMed 22451505 (cited by Labcorp Genetics (formerly Invitae), Labcorp); PubMed 15731758 (cited by 5 submitters); PubMed 19502294 (cited by 3 submitters); PubMed 28877744 (cited by Labcorp Genetics (formerly Invitae), Labcorp and Ambry Genetics).